The following is an entry in ClinVar:

ClinVar aggregate classification (germline): Pathogenic (1 of 4 stars; one submission).

Conditions:
Peroxisome biogenesis disorder 9B. Also called: PEROXISOME BIOGENESIS DISORDER, PEX7-RELATED, ATYPICAL; PEX7-Related Refsum Disease; Refsum disease, adult, 2. Identifiers: Orphanet 773, MedGen C2749346, MONDO:0013945, OMIM 614879.

Submission:

Labcorp Genetics (formerly Invitae), Labcorp
Classification: Pathogenic for Peroxisome biogenesis disorder 9B. Last evaluated: 2020-08-20. Review status: criteria provided, single submitter. Criteria: Invitae Variant Classification Sherloc (09022015). Collection method: clinical testing. Allele origin: germline.
Comment: This variant is not present in population databases (ExAC no frequency). This sequence change creates a premature translational stop signal (p.Thr122Profs*59) in the PEX7 gene. It is expected to result in an absent or disrupted protein product. This variant has not been reported in the literature in individuals with PEX7-related conditions. Loss-of-function variants in PEX7 are known to be pathogenic (PMID: 12325024, 12522768, 20301447). For these reasons, this variant has been classified as Pathogenic.

Literature cited by the submitters: PubMed 12325024; PubMed 12522768; PubMed 20301447.

NM_000288.4(PEX7):c.364del (p.Thr122fs)

Gene: PEX7 (peroxisomal biogenesis factor 7; plus strand). Cytogenetic location: 6q23.3.
Variant type: Deletion.
Coding change: c.364del on transcript NM_000288.4 (MANE Select); coding-DNA position 364, one base deleted (A; older notation c.364delA).
Protein change: p.Thr122fs; shifts the reading frame from threonine 122.
Molecular consequence: frameshift variant.
Genome position (GRCh38, 1-based): chr6:136,845,639, A deleted; the last of 3 consecutive A bases (chr6:136,845,637-136,845,639); deleting any one gives the same sequence. VCF-style (leftmost placement, unchanged base first): chr6-136845636-CA-C. GRCh37 (hg19) VCF-style: chr6-137166774-CA-C.
Other names: short protein forms T122fs.
Identifiers: ClinVar variation 1074641 (VCV001074641.7), dbSNP rs2115170460, ClinGen allele CA2499218120.